The following is an entry in ClinVar:

ClinVar aggregate classification (germline): Uncertain significance (1 of 4 stars; one submission).

Allele frequency attached by ClinVar (database versions not stated): TOPMed 0.00005.
gnomAD v4.1: 7 of 1,613,118 alleles (0.00043%); highest among the groups gnomAD compares: Non-Finnish European, 0.00042%; no homozygotes.

Submission:

Labcorp Genetics (formerly Invitae), Labcorp
Classification: Uncertain significance. Last evaluated: 2025-08-18. Review status: criteria provided, single submitter. Criteria: Invitae Variant Classification Sherloc (09022015). Collection method: clinical testing. Allele origin: germline.
Comment: This sequence change replaces proline, which is neutral and non-polar, with serine, which is neutral and polar, at codon 31 of the TRPM6 protein (p.Pro31Ser). This variant is present in population databases (no rsID available, gnomAD 0.0009%). This variant has not been reported in the literature in individuals affected with TRPM6-related conditions. ClinVar contains an entry for this variant (Variation ID: 1984889). An algorithm developed to predict the effect of missense changes on protein structure and function (PolyPhen-2) suggests that this variant is likely to be disruptive. In summary, the available evidence is currently insufficient to determine the role of this variant in disease. Therefore, it has been classified as a Variant of Uncertain Significance.

NM_017662.5(TRPM6):c.91C>T (p.Pro31Ser)

Gene: TRPM6 (transient receptor potential cation channel subfamily M member 6; minus strand). Cytogenetic location: 9q21.13.
Variant type: single nucleotide variant.
Coding change: c.91C>T on transcript NM_017662.5 (MANE Select); coding-DNA position 91, C replaced by T.
Protein change: p.Pro31Ser; replaces proline 31 with serine.
Molecular consequence: missense variant.
Genome position (GRCh38, 1-based): chr9:74,858,691, G>A on the plus strand (C>T on the coding strand, the complement: TRPM6 is on the minus strand). VCF-style: chr9-74858691-G-A. GRCh37 (hg19) VCF-style: chr9-77473607-G-A.
Other names: c.76C>T, p.Pro26Ser (NM_001177310.2, NM_001177311.2); short protein forms P26S, P31S.
Identifiers: ClinVar variation 1984889 (VCV001984889.3), dbSNP rs1040430178, ClinGen allele CA194301319.